The following is an entry in ClinVar:

NM_152263.4(TPM3):c.855-1G>A

Gene: TPM3 (tropomyosin 3; minus strand). Cytogenetic location: 1q21.3.
Variant type: single nucleotide variant.
Coding change: c.855-1G>A on transcript NM_152263.4 (MANE Select); the canonical splice acceptor site of the intron before coding-DNA position 855, G replaced by A.
Molecular consequence: splice acceptor variant. On other transcripts: intron variant (12).
Genome position (GRCh38, 1-based): chr1:154,167,941, C>T on the plus strand (G>A on the coding strand, the complement: TPM3 is on the minus strand). VCF-style: chr1-154167941-C-T. GRCh37 (hg19) VCF-style: chr1-154140417-C-T.
Other names: IVS9AS, G-A, -1; c.775+2459G>A (NM_001364679.2, NM_001364681.2, NM_001364680.2); c.466+2459G>A (NM_001278188.2); c.664+2459G>A (NM_001043351.2, NM_001043353.2, NM_153649.4 and 1 more transcripts); c.743+1364G>A (NM_001349679.2, NM_001278189.2); c.601+2459G>A (NM_001278190.2); c.394+2459G>A (NM_001278191.2); c.855-1G>A (NM_001364682.1); and 1 more.
Identifiers: ClinVar variation 12448 (VCV000012448.13), dbSNP rs113605263, ClinGen allele CA232701.

ClinVar aggregate classification (germline): Uncertain significance. Review status: criteria provided, multiple submitters, no conflicts (2 of 4 stars). 4 submissions from 4 submitters: Uncertain significance (2). 2 of the submissions do not count toward it. Last evaluated 2022-08-06.

Conditions:
Congenital myopathy with fiber type disproportion. Also called: Congenital fiber-type disproportion myopathy; Congenital fiber-type disproportion. Identifiers: Orphanet 2020, MedGen C0546264, MONDO:0009711. Inheritance: all.
Congenital myopathy 4B, autosomal recessive. Also called: Nemaline myopathy 1, autosomal dominant or recessive. Identifiers: Orphanet 171433, Orphanet 171439, Orphanet 171881, MedGen C5829889, MONDO:0012239, OMIM 609284.

Allele frequency attached by ClinVar (database versions not stated): ExAC 0.00001; gnomAD exomes 0.00001 and 0.00002; TOPMed 0.00002.
gnomAD v4.1: 6 of 1,613,792 alleles (0.00037%); highest among the groups gnomAD compares: Admixed American, 0.01%; no homozygotes.

Submissions (4):

Labcorp Genetics (formerly Invitae), Labcorp
Classification: Uncertain significance for Congenital myopathy with fiber type disproportion; Congenital myopathy 4B, autosomal recessive. Last evaluated: 2022-08-06. Review status: criteria provided, single submitter. Criteria: Invitae Variant Classification Sherloc (09022015). Collection method: clinical testing. Allele origin: germline.
Comment: Variants that disrupt the consensus splice site are a relatively common cause of aberrant splicing (PMID: 17576681, 9536098). Studies have shown that this variant is associated with altered splicing resulting in multiple RNA products (PMID: 12196661). ClinVar contains an entry for this variant (Variation ID: 12448). This variant has been observed in individual(s) with autosomal recessive congenital myopathy (PMID: 12196661). This variant is present in population databases (rs113605263, gnomAD 0.01%). This sequence change falls in intron 9 of the TPM3 gene. It does not directly change the encoded amino acid sequence of the TPM3 protein. It affects a nucleotide within the consensus splice site. In summary, the available evidence is currently insufficient to determine the role of this variant in disease. Therefore, it has been classified as a Variant of Uncertain Significance.

Revvity Omics, Revvity
Classification: Uncertain significance. Last evaluated: 2022-03-25. Review status: criteria provided, single submitter. Criteria: ACMG Guidelines, 2015. Collection method: clinical testing. Allele origin: germline.

OMIM
Classification: Pathogenic for CONGENITAL MYOPATHY 4B, AUTOSOMAL RECESSIVE. Last evaluated: 2002-08-27. Review status: no assertion criteria provided. Collection method: literature only. Allele origin: germline. Not counted in ClinVar's aggregate classification.

TPM3 homepage - Leiden Muscular Dystrophy pages
No classification provided. Review status: no classification provided. Collection method: not provided. Allele origin: germline. Not counted in ClinVar's aggregate classification.

Literature cited by the submitters: PubMed 17576681 (cited by Labcorp Genetics (formerly Invitae), Labcorp); PubMed 9536098 (cited by Labcorp Genetics (formerly Invitae), Labcorp); PubMed 12196661 (cited by Labcorp Genetics (formerly Invitae), Labcorp and OMIM).